The following is an entry in ClinVar:

ClinVar aggregate classification (germline): Uncertain significance (1 of 4 stars; one submission).

Allele frequency attached by ClinVar (database versions not stated): ExAC 0.00005; gnomAD 0.00005 and 0.00006; gnomAD exomes 0.00006; ESP Exome Variant Server 0.00008.
gnomAD v4.1: 94 of 1,613,950 alleles (0.0058%); highest among the groups gnomAD compares: Non-Finnish European, 0.0079%; no homozygotes.

Submission:

Labcorp Genetics (formerly Invitae), Labcorp
Classification: Uncertain significance. Last evaluated: 2025-08-18. Review status: criteria provided, single submitter. Criteria: Invitae Variant Classification Sherloc (09022015). Collection method: clinical testing. Allele origin: germline.
Comment: This sequence change replaces aspartic acid, which is acidic and polar, with asparagine, which is neutral and polar, at codon 609 of the MAP3K20 protein (p.Asp609Asn). This variant is present in population databases (rs199712204, gnomAD 0.01%). This variant has not been reported in the literature in individuals affected with MAP3K20-related conditions. ClinVar contains an entry for this variant (Variation ID: 1363239). Invitae Evidence Modeling of protein sequence and biophysical properties (such as structural, functional, and spatial information, amino acid conservation, physicochemical variation, residue mobility, and thermodynamic stability) indicates that this missense variant is not expected to disrupt MAP3K20 protein function with a negative predictive value of 95%. In summary, the available evidence is currently insufficient to determine the role of this variant in disease. Therefore, it has been classified as a Variant of Uncertain Significance.

NM_016653.3(MAP3K20):c.1825G>A (p.Asp609Asn)

Genes: MAP3K20 (mitogen-activated protein kinase kinase kinase 20; plus strand), MAP3K20-AS1 (MAP3K20 antisense RNA 1; minus strand). Cytogenetic location: 2q31.1.
Variant type: single nucleotide variant.
Coding change: c.1825G>A on transcript NM_016653.3 (MANE Select); coding-DNA position 1825, G replaced by A.
Protein change: p.Asp609Asn; replaces aspartic acid 609 with asparagine.
Molecular consequence: missense variant.
Genome position (GRCh38, 1-based): chr2:173,266,172, G>A. VCF-style: chr2-173266172-G-A. GRCh37 (hg19) VCF-style: chr2-174130900-G-A.
Other names: short protein forms D609N.
Identifiers: ClinVar variation 1363239 (VCV001363239.4), dbSNP rs199712204, ClinGen allele CA1970972.
Genomic context (GRCh38, chr2:173,266,172, plus strand): 5'-CAGCGTTCCCAGAGCAATCCTATTCTGGGGTCACCGTTCTTCTCACACTTTGATGGCCAG[G>A]ATTCCTACGCTGCTGCTGTGAGACGGCCCCAGGTGCCCATTAAGTATCAACAGATTACAC-3'
Protein context (NP_057737.2, residues 599-619): SPFFSHFDGQ[Asp609Asn]SYAAAVRRPQ